The following is an entry in ClinVar:

NC_000009.11:g.(?_135796730)_(135820530_?)del

Gene: TSC1 (TSC complex subunit 1; minus strand). Cytogenetic location: 9q34.13.
Variant type: Deletion.
Identifiers: ClinVar variation 3245182 (VCV003245182.1).

ClinVar aggregate classification (germline): Pathogenic (1 of 4 stars; one submission).

Conditions:
Tuberous sclerosis 1 (TSC1). Identifiers: Orphanet 805, MedGen C1854465, MONDO:0008612, OMIM 191100.

Submission:

Labcorp Genetics (formerly Invitae), Labcorp
Classification: Pathogenic for Tuberous sclerosis 1. Last evaluated: 2023-11-27. Review status: criteria provided, single submitter. Criteria: Invitae Variant Classification Sherloc (09022015). Collection method: clinical testing. Allele origin: unknown.
Comment: This variant is a gross deletion of the genomic region encompassing exon(s) 1-8 of the TSC1 gene, which includes the initiator codon. This deletion extends beyond the assayed region for this gene and therefore may encompass additional genes. It is expected to result in an absent or disrupted protein product. Loss-of-function variants in TSC1 are known to be pathogenic (PMID: 10227394, 17304050). This variant has not been reported in the literature in individuals affected with TSC1-related conditions. For these reasons, this variant has been classified as Pathogenic.

Literature cited by the submitters: PubMed 10227394; PubMed 17304050.